The following is an entry in ClinVar:

ClinVar aggregate classification (germline): Uncertain significance (1 of 4 stars; one submission).

Conditions:
Neurofibromatosis, type 1 (NF1). Also called: Neurofibromatosis, type I; Peripheral type neurofibromatosis; NEUROFIBROMATOSIS, TYPE I, SOMATIC; VON RECKLINGHAUSEN DISEASE. Identifiers: Orphanet 636, MedGen C0027831, MONDO:0018975, OMIM 162200. Disease mechanism: loss of function.

Submission:

Labcorp Genetics (formerly Invitae), Labcorp
Classification: Uncertain significance for Neurofibromatosis, type 1. Last evaluated: 2022-06-15. Review status: criteria provided, single submitter. Criteria: Invitae Variant Classification Sherloc (09022015). Collection method: clinical testing. Allele origin: germline.
Comment: In summary, the available evidence is currently insufficient to determine the role of this variant in disease. Therefore, it has been classified as a Variant of Uncertain Significance. Algorithms developed to predict the effect of sequence changes on RNA splicing suggest that this variant may create or strengthen a splice site. This variant has not been reported in the literature in individuals affected with NF1-related conditions. This variant is not present in population databases (gnomAD no frequency). This variant, c.3287_3295del, results in the deletion of 3 amino acid(s) of the NF1 protein (p.Met1096_Ala1098del), but otherwise preserves the integrity of the reading frame.

NM_001042492.3(NF1):c.3287_3295del (p.Met1096_Ala1098del)

Gene: NF1 (neurofibromin 1; plus strand). Cytogenetic location: 17q11.2.
Variant type: Deletion.
Coding change: c.3287_3295del on transcript NM_001042492.3 (MANE Select); coding-DNA positions 3287 to 3295, 9 bases deleted (TGGAAGCCA; older notation c.3287_3295delTGGAAGCCA).
Protein change: p.Met1096_Ala1098del.
Molecular consequence: inframe deletion. On other transcripts: inframe indel (1).
Genome position (GRCh38, 1-based): chr17:31,232,162-31,232,170, TGGAAGCCA deleted; deleting any 9 consecutive bases within chr17:31,232,161-31,232,170 gives the same sequence; the c. name uses the placement nearest the transcript's 3' end. VCF-style (leftmost placement, unchanged base first): chr17-31232160-GATGGAAGCC-G. GRCh37 (hg19) VCF-style: chr17-29559178-GATGGAAGCC-G.
Other names: c.3287_3295delTGGAAGCCA, p.Met1096_Ala1098del (NM_000267.4).
Identifiers: ClinVar variation 1994686 (VCV001994686.4), dbSNP rs2508224808, ClinGen allele CA2580092985.